The following is an entry in ClinVar:

NM_015378.4(VPS13D):c.1007G>A (p.Arg336His)

Gene: VPS13D (vacuolar protein sorting 13 homolog D; plus strand). Cytogenetic location: 1p36.22.
Variant type: single nucleotide variant.
Coding change: c.1007G>A on transcript NM_015378.4 (MANE Select); coding-DNA position 1007, G replaced by A.
Protein change: p.Arg336His; replaces arginine 336 with histidine.
Molecular consequence: missense variant.
Genome position (GRCh38, 1-based): chr1:12,258,000, G>A. VCF-style: chr1-12258000-G-A. GRCh37 (hg19) VCF-style: chr1-12318057-G-A.
Other names: p.Arg336His; c.1007G>A, p.Arg336His (NM_018156.4); short protein forms R336H.
Identifiers: ClinVar variation 2049485 (VCV002049485.5), dbSNP rs143197573, ClinGen allele CA601395.
Genomic context (GRCh38, chr1:12,258,000, plus strand): 5'-GAGAATGGTGGTATTTTGCTTTGAATGCTAACTTGTATGAGATCAGAGAGCAGAGGAAAC[G>A]TTGCACCTGGGACTTTATGTTGCACCGCGCTCGTGATGCTGTATCTTACACTGACAAATA-3'
Protein context (NP_056193.2, residues 326-346): NLYEIREQRK[Arg336His]CTWDFMLHRA

ClinVar aggregate classification (germline): Benign/Likely benign. Review status: criteria provided, multiple submitters, no conflicts (2 of 4 stars). 2 submissions from 2 submitters: Benign (1); Likely benign (1). Last evaluated 2026-01-06.

Allele frequency attached by ClinVar (database versions not stated): ESP Exome Variant Server 0.00008; gnomAD 0.00028; TOPMed 0.00032; ExAC 0.00079; 1000 Genomes Project 0.00200; 1000 Genomes Project 30x 0.00203.
gnomAD v4.1: 338 of 1,614,202 alleles (0.021%); highest among the groups gnomAD compares: East Asian, 0.6%; 2 homozygotes.

Submissions (2):

Labcorp Genetics (formerly Invitae), Labcorp
Classification: Benign. Last evaluated: 2026-01-06. Review status: criteria provided, single submitter. Criteria: Invitae Variant Classification Sherloc (09022015). Collection method: clinical testing. Allele origin: germline.

Mayo Clinic Laboratories, Mayo Clinic
Classification: Likely benign. Last evaluated: 2025-10-10. Review status: criteria provided, single submitter. Criteria: ACMG Guidelines, 2015. Collection method: clinical testing. Allele origin: germline. Observed: 1 variant allele.
Comment: BS1, BP4